The following is an entry in ClinVar:

NM_004370.6(COL12A1):c.4574C>T (p.Pro1525Leu)

Gene: COL12A1 (collagen type XII alpha 1 chain; minus strand). Cytogenetic location: 6q13.
Variant type: single nucleotide variant.
Coding change: c.4574C>T on transcript NM_004370.6 (MANE Select); coding-DNA position 4574, C replaced by T.
Protein change: p.Pro1525Leu; replaces proline 1525 with leucine.
Molecular consequence: missense variant.
Genome position (GRCh38, 1-based): chr6:75,145,442, G>A on the plus strand (C>T on the coding strand, the complement: COL12A1 is on the minus strand). VCF-style: chr6-75145442-G-A. GRCh37 (hg19) VCF-style: chr6-75855158-G-A.
Other names: c.1082C>T, p.Pro361Leu (NM_080645.3, NM_001424116.1); c.4574C>T, p.Pro1525Leu (NM_001424113.1, NM_001424114.1); c.4301C>T, p.Pro1434Leu (NM_001424115.1); short protein forms P361L, P1434L, P1525L.
Identifiers: ClinVar variation 2940531 (VCV002940531.3), dbSNP rs2533357349, ClinGen allele CA364743219.

ClinVar aggregate classification (germline): Uncertain significance (1 of 4 stars; one submission).

Conditions:
Ullrich congenital muscular dystrophy 2 (UCMD2). Identifiers: Orphanet 75840, MedGen C4225314, MONDO:0014654, OMIM 616470.
Bethlem myopathy 2 (BTHLM2). Identifiers: Orphanet 536516, Orphanet 610, MedGen C4225313, MONDO:0034022, OMIM 616471.

Allele frequency attached by ClinVar (database versions not stated): gnomAD exomes below 0.00001.
gnomAD v4.1: 2 of 1,613,632 alleles (0.00012%); highest among the groups gnomAD compares: Non-Finnish European, 0.00017%; no homozygotes.

Submission:

Labcorp Genetics (formerly Invitae), Labcorp
Classification: Uncertain significance for Bethlem myopathy 2; Ullrich congenital muscular dystrophy 2. Last evaluated: 2023-07-03. Review status: criteria provided, single submitter. Criteria: Invitae Variant Classification Sherloc (09022015). Collection method: clinical testing. Allele origin: germline.
Comment: In summary, the available evidence is currently insufficient to determine the role of this variant in disease. Therefore, it has been classified as a Variant of Uncertain Significance. Advanced modeling of protein sequence and biophysical properties (such as structural, functional, and spatial information, amino acid conservation, physicochemical variation, residue mobility, and thermodynamic stability) performed at Invitae indicates that this missense variant is not expected to disrupt COL12A1 protein function. This variant has not been reported in the literature in individuals affected with COL12A1-related conditions. This variant is not present in population databases (gnomAD no frequency). This sequence change replaces proline, which is neutral and non-polar, with leucine, which is neutral and non-polar, at codon 1525 of the COL12A1 protein (p.Pro1525Leu).